The following is an entry in ClinVar:

ClinVar aggregate classification (germline): Likely benign (0 of 4 stars; one submission).

Conditions:
PRR12-related disorder. Also called: PRR12-related condition.

Allele frequency attached by ClinVar (database versions not stated): gnomAD 0.00001; gnomAD exomes 0.00001.
gnomAD v4.1: 15 of 1,550,892 alleles (0.00097%); highest among the groups gnomAD compares: Non-Finnish European, 0.00078%; 1 homozygote.

Submission:

PreventionGenetics, part of Exact Sciences
Classification: Likely benign for PRR12-related condition. Last evaluated: 2019-06-18. Review status: no assertion criteria provided. Collection method: clinical testing. Allele origin: germline.
Comment: This variant is classified as likely benign based on ACMG/AMP sequence variant interpretation guidelines (Richards et al. 2015 PMID: 25741868, with internal and published modifications).

NM_020719.3(PRR12):c.2778C>T (p.Phe926=)

Gene: PRR12 (proline rich 12; plus strand). Cytogenetic location: 19q13.33.
Variant type: single nucleotide variant.
Coding change: c.2778C>T on transcript NM_020719.3 (MANE Select); coding-DNA position 2778, C replaced by T.
Protein change: p.Phe926=; no amino-acid change (phenylalanine 926 retained).
Molecular consequence: synonymous variant.
Genome position (GRCh38, 1-based): chr19:49,597,113, C>T. VCF-style: chr19-49597113-C-T. GRCh37 (hg19) VCF-style: chr19-50100370-C-T.
Identifiers: ClinVar variation 3033509 (VCV003033509.2), dbSNP rs1055726503, ClinGen allele CA309529619.